The following is an entry in ClinVar:

ClinVar aggregate classification (germline): Benign/Likely benign. Review status: criteria provided, multiple submitters, no conflicts (2 of 4 stars). 3 submissions from 3 submitters: Benign (1); Likely benign (1). 1 of the submissions does not count toward it. Last evaluated 2025-12-02.

Conditions:
PAX2-Related Disorder. Also called: PAX2-related disorders. Identifiers: MedGen CN381309.
Focal segmental glomerulosclerosis 7 (FSGS7). Identifiers: Orphanet 656, MedGen C4014925, MONDO:0014451, OMIM 616002.
Renal coloboma syndrome (PAPRS). Also called: OPTIC COLOBOMA, VESICOURETERAL REFLUX, AND RENAL ANOMALIES; OPTIC NERVE COLOBOMA WITH RENAL DISEASE; RENAL-COLOBOMA SYNDROME WITH MACULAR ABNORMALITIES; PAPILLORENAL SYNDROME; COLOBOMA OF OPTIC NERVE WITH RENAL DISEASE; PAPILLORENAL SYNDROME WITH MILD OCULAR ABNORMALITIES. Identifiers: Orphanet 1475, MedGen C1852759, MONDO:0007352, OMIM 120330.

Allele frequency attached by ClinVar (database versions not stated): gnomAD 0.00006; TOPMed 0.00007; ESP Exome Variant Server 0.00008; gnomAD exomes 0.00011 and 0.00017; ExAC 0.00013.
gnomAD v4.1: 174 of 1,613,844 alleles (0.011%); highest among the groups gnomAD compares: Middle Eastern, 0.033%; no homozygotes.

Submissions (3):

Labcorp Genetics (formerly Invitae), Labcorp
Classification: Benign for Renal coloboma syndrome; Focal segmental glomerulosclerosis 7. Last evaluated: 2025-12-02. Review status: criteria provided, single submitter. Criteria: Invitae Variant Classification Sherloc (09022015). Collection method: clinical testing. Allele origin: germline.

Blueprint Genetics
Classification: Likely benign. Last evaluated: 2024-10-18. Review status: criteria provided, single submitter. Criteria: ACMG Guidelines, 2015. Collection method: clinical testing. Allele origin: germline.

PreventionGenetics, part of Exact Sciences
Classification: Likely benign for PAX2-related condition. Last evaluated: 2022-11-06. Review status: no assertion criteria provided. Collection method: clinical testing. Allele origin: germline. Not counted in ClinVar's aggregate classification.
Comment: This variant is classified as likely benign based on ACMG/AMP sequence variant interpretation guidelines (Richards et al. 2015 PMID: 25741868, with internal and published modifications).

NM_000278.5(PAX2):c.1021+193G>A

Gene: PAX2 (paired box 2; plus strand). Cytogenetic location: 10q24.31.
Variant type: single nucleotide variant.
Coding change: c.1021+193G>A on transcript NM_000278.5 (MANE Select); 193 bases into the intron after coding-DNA position 1021, G replaced by A.
Molecular consequence: intron variant. On other transcripts: synonymous variant (1).
Genome position (GRCh38, 1-based): chr10:100,824,942, G>A. VCF-style: chr10-100824942-G-A. GRCh37 (hg19) VCF-style: chr10-102584699-G-A.
Other names: c.1062G>A, p.Pro354= (NM_003988.5); c.1114+193G>A (NM_001304569.2); c.1090+193G>A (NM_003987.5, NM_003990.5); c.1021+193G>A (NM_003989.5); c.1062G>A (NM_003988.4).
Identifiers: ClinVar variation 1169662 (VCV001169662.12), dbSNP rs145911423, ClinGen allele CA5650954.
Genomic context (GRCh38, chr10:100,824,942, plus strand): 5'-CTGTCCCTCTCTCTCCTTAGAGGCTGCAGTTGGTCCCTCATCCTCCCTCATGAGCAAGCC[G>A]GGGAGGAAGCTTGCAGAAGTGCCCCCTTGTGTGCAACCCACTGTATGTCATGGCCCCTCC-3'